The following is an entry in ClinVar:

NM_173537.5(GTF2IRD2):c.1649C>T (p.Ala550Val)

Genes: GTF2IRD2 (GTF2I repeat domain containing 2; minus strand), LOC106029312 (Williams-Beuren syndrome medial block B recombination region; plus strand). Cytogenetic location: 7q11.23.
Variant type: single nucleotide variant.
Coding change: c.1649C>T on transcript NM_173537.5 (MANE Select); coding-DNA position 1649, C replaced by T.
Protein change: p.Ala550Val; replaces alanine 550 with valine.
Molecular consequence: missense variant. On other transcripts: 3 prime UTR variant (4), non-coding transcript variant (8).
Genome position (GRCh38, 1-based): chr7:74,797,863, G>A on the plus strand (C>T on the coding strand, the complement: GTF2IRD2 is on the minus strand). VCF-style: chr7-74797863-G-A. GRCh37 (hg19) VCF-style: chr7-74212202-G-A.
Other names: c.2135C>T, p.Ala712Val (NM_001368300.2); c.1664C>T, p.Ala555Val (NM_001388079.1); c.1583C>T, p.Ala528Val (NM_001388080.1); c.1571C>T, p.Ala524Val (NM_001388081.1); c.1514C>T, p.Ala505Val (NM_001388082.1); c.1436C>T, p.Ala479Val (NM_001388083.1, NM_001388084.1); c.1154C>T, p.Ala385Val (NM_001388085.1); c.1073C>T, p.Ala358Val (NM_001388086.1); and 3 more; short protein forms A358V, A385V, A479V, A505V, A524V, A528V, A533V, A550V.
Identifiers: ClinVar variation 4823361 (VCV004823361.4).
Genomic context (GRCh38, chr7:74,797,863, plus strand): 5'-ACACCACGGATGAATATGGCCAACTGGGTGGTATTATTTATATCCGTGATCTCATCGATT[G>A]CGATAGAATATGCCACAAAAGACCTGATTTTTTCACGTAACTTCTCCCATAAGTTCCCAG-3'
Protein context (NP_775808.4, residues 540-560): KIRSFVAYSI[Ala550Val]IDEITDINNT

ClinVar aggregate classification (germline): Uncertain significance (1 of 4 stars; one submission).

Submission:

CeGaT Center for Human Genetics Tuebingen
Classification: Uncertain significance. Last evaluated: 2026-02-01. Review status: criteria provided, single submitter. Criteria: CeGaT Center For Human Genetics Tuebingen Variant Classification Criteria Version 2. Collection method: clinical testing. Allele origin: germline. Affected: yes. Observed: 1 variant allele.
Comment: GTF2IRD2: PM2, PP2